The following is an entry in ClinVar:

ClinVar aggregate classification (germline): Likely benign. Review status: criteria provided, multiple submitters, no conflicts (2 of 4 stars). 3 submissions from 3 submitters: Likely benign (3). Last evaluated 2025-10-11.

Conditions:
PIEZO1-related disorder. Also called: PIEZO1-related condition; PIEZO1-Related Disorders.

Allele frequency attached by ClinVar (database versions not stated): gnomAD 0.00003; TOPMed 0.00008.
gnomAD v4.1: 118 of 1,549,578 alleles (0.0076%); highest among the groups gnomAD compares: Admixed American, 0.02%; no homozygotes.

Submissions (3):

PreventionGenetics, part of Exact Sciences
Classification: Likely benign for PIEZO1-related condition. Last evaluated: 2025-10-11. Review status: criteria provided, single submitter. Criteria: ACMG Guidelines, 2015. Collection method: clinical testing. Allele origin: germline.
Comment: This variant is classified as likely benign based on ACMG/AMP sequence variant interpretation guidelines (Richards et al. 2015 PMID: 25741868, with internal and published modifications).

Mayo Clinic Laboratories, Mayo Clinic
Classification: Likely benign. Last evaluated: 2025-05-27. Review status: criteria provided, single submitter. Criteria: ACMG Guidelines, 2015. Collection method: clinical testing. Allele origin: germline. Observed: 1 variant allele.

Labcorp Genetics (formerly Invitae), Labcorp
Classification: Likely benign. Last evaluated: 2025-05-14. Review status: criteria provided, single submitter. Criteria: Invitae Variant Classification Sherloc (09022015). Collection method: clinical testing. Allele origin: germline.

NM_001142864.4(PIEZO1):c.6882C>T (p.Asn2294=)

Gene: PIEZO1 (piezo type mechanosensitive ion channel component 1 (Er blood group); minus strand). Cytogenetic location: 16q24.3.
Variant type: single nucleotide variant.
Coding change: c.6882C>T on transcript NM_001142864.4 (MANE Select); coding-DNA position 6882, C replaced by T.
Protein change: p.Asn2294=; no amino-acid change (asparagine 2294 retained).
Molecular consequence: synonymous variant.
Genome position (GRCh38, 1-based): chr16:88,716,603, G>A on the plus strand (C>T on the coding strand, the complement: PIEZO1 is on the minus strand). VCF-style: chr16-88716603-G-A. GRCh37 (hg19) VCF-style: chr16-88783011-G-A.
Other names: p.Asn2294=; c.6882C>T (NM_001142864.3); c.5424C>T, p.Asn1808= (NM_014745.1).
Identifiers: ClinVar variation 2711899 (VCV002711899.5), dbSNP rs760744612, ClinGen allele CA286406601.